The following is an entry in ClinVar:

ClinVar aggregate classification (germline): Uncertain significance (1 of 4 stars; one submission).

gnomAD v4.1: 1 of 1,613,018 alleles (0.000062%); highest among the groups gnomAD compares: Non-Finnish European, 0.000085%; no homozygotes.

Submission:

GeneDx
Classification: Uncertain significance. Last evaluated: 2026-02-04. Review status: criteria provided, single submitter. Criteria: GeneDx Variant Classification Process June 2021. Collection method: clinical testing. Allele origin: germline.
Comment: Not observed at significant frequency in large population cohorts (gnomAD); Missense variants in this gene are a common cause of disease and they are underrepresented in the general population; In silico analysis supports that this missense variant has a deleterious effect on protein structure/function; Has not been previously published as pathogenic or benign to our knowledge

NM_004985.5(KRAS):c.362C>G (p.Pro121Arg)

Gene: KRAS (KRas proto-oncogene, GTPase; minus strand). Cytogenetic location: 12p12.1.
Variant type: single nucleotide variant.
Coding change: c.362C>G on transcript NM_004985.5 (MANE Select); coding-DNA position 362, C replaced by G.
Protein change: p.Pro121Arg; replaces proline 121 with arginine.
Molecular consequence: missense variant.
Genome position (GRCh38, 1-based): chr12:25,225,702, G>C on the plus strand (C>G on the coding strand, the complement: KRAS is on the minus strand). VCF-style: chr12-25225702-G-C. GRCh37 (hg19) VCF-style: chr12-25378636-G-C.
Other names: c.362C>G, p.Pro121Arg (NM_001369786.1, NM_001369787.1, NM_033360.4); short protein forms P121R.
Identifiers: ClinVar variation 4887910 (VCV004887910.1).